The following is an entry in ClinVar:

NM_017668.3(NDE1):c.762C>T (p.Leu254=)

Gene: NDE1 (nudE neurodevelopment protein 1; plus strand). Cytogenetic location: 16p13.11.
Variant type: single nucleotide variant.
Coding change: c.762C>T on transcript NM_017668.3 (MANE Select); coding-DNA position 762, C replaced by T.
Protein change: p.Leu254=; no amino-acid change (leucine 254 retained).
Molecular consequence: synonymous variant.
Genome position (GRCh38, 1-based): chr16:15,694,223, C>T. VCF-style: chr16-15694223-C-T. GRCh37 (hg19) VCF-style: chr16-15788080-C-T.
Other names: c.762C>T, p.Leu254= (NM_001143979.2).
Identifiers: ClinVar variation 511398 (VCV000511398.2), dbSNP rs149367681, ClinGen allele CA278621925.

ClinVar aggregate classification (germline): Likely benign. Review status: criteria provided, single submitter (1 of 4 stars). 2 submissions from 2 submitters: Likely benign (1). 1 of the submissions does not count toward it. Last evaluated 2017-08-15.

Conditions:
NDE1-related disorder. Also called: NDE1-related condition; NDE1-Related Disorders.

Allele frequency attached by ClinVar (database versions not stated): gnomAD 0.00001; gnomAD exomes 0.00001; TOPMed 0.00002; ESP Exome Variant Server 0.00008.
gnomAD v4.1: 6 of 1,613,648 alleles (0.00037%); highest among the groups gnomAD compares: South Asian, 0.0022%; no homozygotes.

Submissions (2):

GeneDx
Classification: Likely benign. Last evaluated: 2017-08-15. Review status: criteria provided, single submitter. Criteria: GeneDx Variant Classification (06012015). Collection method: clinical testing. Allele origin: germline. Affected: yes.
Comment: This variant is considered likely benign or benign based on one or more of the following criteria: it is a conservative change, it occurs at a poorly conserved position in the protein, it is predicted to be benign by multiple in silico algorithms, and/or has population frequency not consistent with disease.

PreventionGenetics, part of Exact Sciences
Classification: Likely benign for NDE1-related condition. Last evaluated: 2024-04-09. Review status: no assertion criteria provided. Collection method: clinical testing. Allele origin: germline. Not counted in ClinVar's aggregate classification.
Comment: This variant is classified as likely benign based on ACMG/AMP sequence variant interpretation guidelines (Richards et al. 2015 PMID: 25741868, with internal and published modifications).